The following is an entry in ClinVar:

ClinVar aggregate classification (germline): Uncertain significance (1 of 4 stars; one submission).

Conditions:
Cardiovascular phenotype. Identifiers: MedGen CN230736.

Submission:

Ambry Genetics
Classification: Uncertain significance for Cardiovascular phenotype. Last evaluated: 2020-10-06. Review status: criteria provided, single submitter. Criteria: Ambry Variant Classification Scheme 2023. Collection method: clinical testing. Allele origin: germline.
Comment: The p.G189A variant (also known as c.566G>C), located in coding exon 6 of the LDLRAP1 gene, results from a G to C substitution at nucleotide position 566. The glycine at codon 189 is replaced by alanine, an amino acid with similar properties. This amino acid position is not well conserved in available vertebrate species, and alanine is the reference amino acid in other vertebrate species. In addition, this alteration is predicted to be tolerated by in silico analysis. Since supporting evidence is limited at this time, the clinical significance of this alteration remains unclear.

NM_015627.3(LDLRAP1):c.566G>C (p.Gly189Ala)

Gene: LDLRAP1 (low density lipoprotein receptor adaptor protein 1; plus strand). Cytogenetic location: 1p36.11.
Variant type: single nucleotide variant.
Coding change: c.566G>C on transcript NM_015627.3 (MANE Select); coding-DNA position 566, G replaced by C.
Protein change: p.Gly189Ala; replaces glycine 189 with alanine.
Molecular consequence: missense variant.
Genome position (GRCh38, 1-based): chr1:25,563,103, G>C. VCF-style: chr1-25563103-G-C. GRCh37 (hg19) VCF-style: chr1-25889594-G-C.
Other names: short protein forms G189A.
Identifiers: ClinVar variation 1748956 (VCV001748956.2), dbSNP rs753736059, ClinGen allele CA339073899.